The following is an entry in ClinVar:

ClinVar aggregate classification (germline): Likely benign. Review status: criteria provided, multiple submitters, no conflicts (2 of 4 stars). 3 submissions from 3 submitters: Likely benign (3). Last evaluated 2024-07-01.

Conditions:
Tumor predisposition syndrome 3 (TPDS3). Also called: Melanoma, cutaneous malignant, susceptibility to, 10; LONG TELOMERE SYNDROME, POT1-RELATED; POT1 Tumor Predisposition; Glioma susceptibility 9. Identifiers: Orphanet 618, MedGen C4014476, MONDO:0014368, OMIM 615848.
Hereditary cancer-predisposing syndrome. Also called: Tumor predisposition; Hereditary neoplastic syndrome; Neoplastic Syndromes, Hereditary; Hereditary Cancer Syndrome. Identifiers: Orphanet 140162, MedGen C0027672, MeSH D009386, MONDO:0015356.

Allele frequency attached by ClinVar (database versions not stated): gnomAD exomes 0.00001; 1000 Genomes Project 30x 0.00016.

Submissions (3):

Labcorp Genetics (formerly Invitae), Labcorp
Classification: Likely benign for Tumor predisposition syndrome 3. Last evaluated: 2024-07-01. Review status: criteria provided, single submitter. Criteria: Invitae Variant Classification Sherloc (09022015). Collection method: clinical testing. Allele origin: germline.

Ambry Genetics
Classification: Likely benign for Hereditary cancer-predisposing syndrome. Last evaluated: 2023-02-09. Review status: criteria provided, single submitter. Criteria: Ambry Variant Classification Scheme 2023. Collection method: clinical testing. Allele origin: germline.

GeneDx
Classification: Likely benign. Last evaluated: 2018-01-24. Review status: criteria provided, single submitter. Criteria: GeneDx Variant Classification (06012015). Collection method: clinical testing. Allele origin: germline. Affected: yes.
Comment: This variant is considered likely benign or benign based on one or more of the following criteria: it is a conservative change, it occurs at a poorly conserved position in the protein, it is predicted to be benign by multiple in silico algorithms, and/or has population frequency not consistent with disease.

NM_015450.3(POT1):c.1096T>C (p.Leu366=)

Gene: POT1 (protection of telomeres 1; minus strand). Cytogenetic location: 7q31.33.
Variant type: single nucleotide variant.
Coding change: c.1096T>C on transcript NM_015450.3 (MANE Select); coding-DNA position 1096, T replaced by C.
Protein change: p.Leu366=; no amino-acid change (leucine 366 retained).
Molecular consequence: synonymous variant. On other transcripts: non-coding transcript variant (3).
Genome position (GRCh38, 1-based): chr7:124,842,874, A>G on the plus strand (T>C on the coding strand, the complement: POT1 is on the minus strand). VCF-style: chr7-124842874-A-G. GRCh37 (hg19) VCF-style: chr7-124482928-A-G.
Other names: c.703T>C, p.Leu235= (NM_001042594.2).
Identifiers: ClinVar variation 515056 (VCV000515056.13), dbSNP rs1554420623, ClinGen allele CA457469935.